The following is an entry in ClinVar:

ClinVar aggregate classification (germline): Uncertain significance (1 of 4 stars; one submission).

Submission:

GeneDx
Classification: Uncertain significance. Last evaluated: 2017-02-16. Review status: criteria provided, single submitter. Criteria: GeneDx Variant Classification (06012015). Collection method: clinical testing. Allele origin: germline. Affected: yes.
Comment: The A1138S variant has not been published as a pathogenic variant, nor has it been reported as a benign variant to our knowledge. The A1138S variant is not observed in large population cohorts (Lek et al., 2016; 1000 Genomes Consortium et al., 2015; Exome Variant Server). A1138S replaces the Y position within the canonical Gly-X-Y repeat of the triple helical domain. This variant is located closer to the 3' end of the triple helical domain and may not alter poor winding of the collagen triple helix. A1138S is a non-conservative amino acid substitution, which is likely to impact secondary protein structure as these residues differ in polarity, charge, size and/or other properties. This substitution occurs at a position that is conserved across species. In silico analysis is inconsistent in its predictions as to whether or not the variant is damaging to the protein structure/function. Missense variants in nearby Glycine residues (G1133A, G1142S) have been reported in the Human Gene Mutation Database in association with osteogenesis imperfecta (Stenson et al., 2014). In summary, based on the currently available information, it is unclear whether this variant is a pathogenic variant or a rare benign variant.

NM_000088.4(COL1A1):c.3412G>T (p.Ala1138Ser)

Gene: COL1A1 (collagen type I alpha 1 chain; minus strand). Cytogenetic location: 17q21.33.
Variant type: single nucleotide variant.
Coding change: c.3412G>T on transcript NM_000088.4 (MANE Select); coding-DNA position 3412, G replaced by T.
Protein change: p.Ala1138Ser; replaces alanine 1138 with serine.
Molecular consequence: missense variant.
Genome position (GRCh38, 1-based): chr17:50,187,495, C>A on the plus strand (G>T on the coding strand, the complement: COL1A1 is on the minus strand). VCF-style: chr17-50187495-C-A. GRCh37 (hg19) VCF-style: chr17-48264856-C-A.
Other names: short protein forms A1138S.
Identifiers: ClinVar variation 423709 (VCV000423709.2), dbSNP rs1064796592, ClinGen allele CA16620472.
Genomic context (GRCh38, chr17:50,187,495, plus strand): 5'-TGAGCCTGGGCTTGGGGCTCAGGAAGAGGAGAGAGAAGGCATGACTTACTCGGGGACCAG[C>A]AGGACCAGAGGCTCCAGAGGGACCTTGTTCACCAGGAGAGCCCTGAAGGACAGATAAAAA-3'
Protein context (NP_000079.2, residues 1128-1148): EQGPSGASGP[Ala1138Ser]GPRGPPGSAG